The following is an entry in ClinVar:

NM_001267550.2(TTN):c.97492+2T>A

Genes: TTN-AS1 (TTN antisense RNA 1; plus strand), TTN (titin; minus strand). Cytogenetic location: 2q31.2.
Variant type: single nucleotide variant.
Coding change: c.97492+2T>A on transcript NM_001267550.2 (MANE Select); the canonical splice donor site of the intron after coding-DNA position 97492, T replaced by A.
Molecular consequence: splice donor variant. On other transcripts: non-coding transcript variant (1).
Genome position (GRCh38, 1-based): chr2:178,542,262, A>T on the plus strand (T>A on the coding strand, the complement: TTN is on the minus strand). VCF-style: chr2-178542262-A-T. GRCh37 (hg19) VCF-style: chr2-179406989-A-T.
Other names: c.70297+2T>A (NM_003319.4); c.70873+2T>A (NM_133437.4); c.70672+2T>A (NM_133432.3); c.89788+2T>A (NM_133378.4); c.92569+2T>A (NM_001256850.1).
Identifiers: ClinVar variation 4785861 (VCV004785861.1).

ClinVar aggregate classification (germline): Pathogenic (1 of 4 stars; one submission).

Conditions:
Autosomal recessive limb-girdle muscular dystrophy type 2J (LGMDR10). Also called: Limb-girdle muscular dystrophy, type 2J; MUSCULAR DYSTROPHY, LIMB-GIRDLE, AUTOSOMAL RECESSIVE 10. Identifiers: Orphanet 140922, MedGen C1837342, MONDO:0012127, OMIM 608807.
Dilated cardiomyopathy 1G (CMD1G). Identifiers: Orphanet 154, MedGen C1858763, MONDO:0011400, OMIM 604145.

Submission:

Labcorp Genetics (formerly Invitae), Labcorp
Classification: Pathogenic for Dilated cardiomyopathy 1G; Autosomal recessive limb-girdle muscular dystrophy type 2J. Last evaluated: 2025-08-13. Review status: criteria provided, single submitter. Criteria: Invitae Variant Classification Sherloc (09022015). Collection method: clinical testing. Allele origin: germline.
Comment: This sequence change affects a donor splice site in intron 349 of the TTN gene. It is expected to disrupt RNA splicing and likely results in a truncated or disrupted TTN protein. This variant is not present in population databases (gnomAD no frequency). Disruption of this splice site has been observed in individuals with dilated cardiomyopathy (PMID: 22335739). Algorithms developed to predict the effect of sequence changes on RNA splicing suggest that this variant may disrupt the consensus splice site. This variant is located in the A band of TTN (PMID: 25589632). Truncating variants in this region are significantly overrepresented in patients affected with dilated cardiomyopathy (PMID: 25589632). Truncating variants in this region have also been reported in individuals affected with autosomal recessive centronuclear myopathy (PMID: 23975875). For these reasons, this variant has been classified as Pathogenic.

Literature cited by the submitters: PubMed 22335739; PubMed 25589632; PubMed 23975875.